The following is an entry in ClinVar:

ClinVar aggregate classification (germline): Uncertain significance (1 of 4 stars; one submission).

Allele frequency attached by ClinVar (database versions not stated): gnomAD 0.00001; ESP Exome Variant Server 0.00008.
gnomAD v4.1: 7 of 1,613,912 alleles (0.00043%); highest among the groups gnomAD compares: South Asian, 0.0011%; no homozygotes.

Submission:

GeneDx
Classification: Uncertain significance. Last evaluated: 2020-01-11. Review status: criteria provided, single submitter. Criteria: GeneDx Variant Classification Process June 2021. Collection method: clinical testing. Allele origin: germline. Affected: yes.
Comment: In silico analysis, which includes protein predictors and evolutionary conservation, supports a deleterious effect; Has not been previously published as pathogenic or benign to our knowledge

NM_001061.7(TBXAS1):c.797G>C (p.Arg266Pro)

Gene: TBXAS1 (thromboxane A synthase 1; plus strand). Cytogenetic location: 7q34.
Variant type: single nucleotide variant.
Coding change: c.797G>C on transcript NM_001061.7 (MANE Select); coding-DNA position 797, G replaced by C.
Protein change: p.Arg266Pro; replaces arginine 266 with proline.
Molecular consequence: missense variant.
Genome position (GRCh38, 1-based): chr7:139,957,742, G>C. VCF-style: chr7-139957742-G-C. GRCh37 (hg19) VCF-style: chr7-139657541-G-C.
Other names: c.797G>C, p.Arg266Pro (NM_001130966.5, NM_030984.6); c.935G>C, p.Arg312Pro (NM_001166253.4); c.596G>C, p.Arg199Pro (NM_001166254.4); c.740G>C, p.Arg247Pro (NM_001314028.4); c.614G>C, p.Arg205Pro (NM_001366537.3); short protein forms R199P, R205P, R247P, R266P, R312P.
Identifiers: ClinVar variation 1304721 (VCV001304721.2), dbSNP rs145426879, ClinGen allele CA167952946.